The following is an entry in ClinVar:

ClinVar aggregate classification (germline): Uncertain significance. Review status: criteria provided, multiple submitters, no conflicts (2 of 4 stars). 3 submissions from 3 submitters: Uncertain significance (3). Last evaluated 2024-02-09.

Conditions:
Pontocerebellar hypoplasia type 7. Identifiers: Orphanet 284339, MedGen C3554226, MONDO:0013993, OMIM 614969.
Inborn genetic diseases. Identifiers: MedGen C0950123, MeSH D030342.

Allele frequency attached by ClinVar (database versions not stated): 1000 Genomes Project 30x 0.00016; ExAC 0.00018; 1000 Genomes Project 0.00020; TOPMed 0.00026; gnomAD 0.00030; ESP Exome Variant Server 0.00031; gnomAD exomes 0.00054.

Submissions (3):

Ambry Genetics
Classification: Uncertain significance for Inborn genetic diseases. Last evaluated: 2024-02-09. Review status: criteria provided, single submitter. Criteria: Ambry Variant Classification Scheme 2023. Collection method: clinical testing. Allele origin: germline.

Victorian Clinical Genetics Services, Murdoch Childrens Research Institute
Classification: Uncertain significance for Pontocerebellar hypoplasia type 7. Last evaluated: 2023-12-21. Review status: criteria provided, single submitter. Criteria: ACMG Guidelines, 2015. Collection method: clinical testing. Allele origin: germline. Inheritance: Autosomal recessive inheritance. Affected: yes.
Comment: Based on the classification scheme VCGS_Germline_v1.3.4, this variant is classified as VUS-3B. Following criteria are met: 0102 - Loss of function is a known mechanism of disease in this gene and is associated with pontocerebellar hypoplasia, type 7 (MIM#614969). (I) 0106 - This gene is associated with autosomal recessive disease. (I) 0200 - Variant is predicted to result in a missense amino acid change from isoleucine to threonine. (I) 0251 - This variant is heterozygous. (I) 0304 - Variant is present in gnomAD (v2) <0.01 for a recessive condition (62 heterozygotes, 0 homozygotes). (SP) 0309 - Multiple alternative amino acid changes at the same position have been observed in gnomAD (v2) (highest allele count: 1 heterozygote, 0 homozygotes). (I) 0502 - Missense variant with conflicting in silico predictions and uninformative conservation. (I) 0600 - Variant is located in the annotated CAF1 ribonuclease domain (DECIPHER). (I) 0705 - No comparable missense variants have previous evidence for pathogenicity. (I) 0809 - Previous evidence of pathogenicity for this variant is inconclusive. This variant has been classified as a VUS by two clinical laboratories in ClinVar. (I) 0905 - No published segregation evidence has been identified for this variant. (I) 1007 - No published functional evidence has been identified for this variant. (I) 1208 - Inheritance information for this variant is not currently available in this individual. (I) Legend: (SP) - Supporting pathogenic, (I) - Information, (SB) - Supporting benign

Labcorp Genetics (formerly Invitae), Labcorp
Classification: Uncertain significance. Last evaluated: 2022-10-13. Review status: criteria provided, single submitter. Criteria: Invitae Variant Classification Sherloc (09022015). Collection method: clinical testing. Allele origin: germline.
Comment: This sequence change replaces isoleucine, which is neutral and non-polar, with threonine, which is neutral and polar, at codon 81 of the TOE1 protein (p.Ile81Thr). This variant is present in population databases (rs142678648, gnomAD 0.03%). This variant has not been reported in the literature in individuals affected with TOE1-related conditions. Advanced modeling of protein sequence and biophysical properties (such as structural, functional, and spatial information, amino acid conservation, physicochemical variation, residue mobility, and thermodynamic stability) performed at Invitae indicates that this missense variant is expected to disrupt TOE1 protein function. In summary, the available evidence is currently insufficient to determine the role of this variant in disease. Therefore, it has been classified as a Variant of Uncertain Significance.

NM_025077.4(TOE1):c.242T>C (p.Ile81Thr)

Gene: TOE1 (target of EGR1, exonuclease; plus strand). Cytogenetic location: 1p34.1.
Variant type: single nucleotide variant.
Coding change: c.242T>C on transcript NM_025077.4 (MANE Select); coding-DNA position 242, T replaced by C.
Protein change: p.Ile81Thr; replaces isoleucine 81 with threonine.
Molecular consequence: missense variant.
Genome position (GRCh38, 1-based): chr1:45,341,478, T>C. VCF-style: chr1-45341478-T-C. GRCh37 (hg19) VCF-style: chr1-45807150-T-C.
Other names: short protein forms I81T.
Identifiers: ClinVar variation 2053005 (VCV002053005.3), dbSNP rs142678648, ClinGen allele CA826509.